The following is an entry in ClinVar:

ClinVar aggregate classification (germline): Uncertain significance (1 of 4 stars; one submission).

Submission:

Labcorp Genetics (formerly Invitae), Labcorp
Classification: Uncertain significance. Last evaluated: 2024-08-04. Review status: criteria provided, single submitter. Criteria: Invitae Variant Classification Sherloc (09022015). Collection method: clinical testing. Allele origin: germline.
Comment: This sequence change replaces aspartic acid, which is acidic and polar, with asparagine, which is neutral and polar, at codon 1305 of the SAMD9 protein (p.Asp1305Asn). This variant is not present in population databases (gnomAD no frequency). This variant has not been reported in the literature in individuals affected with SAMD9-related conditions. Advanced modeling of protein sequence and biophysical properties (such as structural, functional, and spatial information, amino acid conservation, physicochemical variation, residue mobility, and thermodynamic stability) performed at Invitae indicates that this missense variant is not expected to disrupt SAMD9 protein function with a negative predictive value of 95%. In summary, the available evidence is currently insufficient to determine the role of this variant in disease. Therefore, it has been classified as a Variant of Uncertain Significance.

NM_017654.4(SAMD9):c.3913G>A (p.Asp1305Asn)

Gene: SAMD9 (sterile alpha motif domain containing 9; minus strand). Cytogenetic location: 7q21.2.
Variant type: single nucleotide variant.
Coding change: c.3913G>A on transcript NM_017654.4 (MANE Select); coding-DNA position 3913, G replaced by A.
Protein change: p.Asp1305Asn; replaces aspartic acid 1305 with asparagine.
Molecular consequence: missense variant.
Genome position (GRCh38, 1-based): chr7:93,102,185, C>T on the plus strand (G>A on the coding strand, the complement: SAMD9 is on the minus strand). VCF-style: chr7-93102185-C-T. GRCh37 (hg19) VCF-style: chr7-92731498-C-T.
Other names: c.3913G>A, p.Asp1305Asn (NM_001193307.2); short protein forms D1305N.
Identifiers: ClinVar variation 3636731 (VCV003636731.2).